The following is an entry in ClinVar:

NM_000059.4(BRCA2):c.584C>G (p.Ser195Ter)

Gene: BRCA2 (BRCA2 DNA repair associated; plus strand). Cytogenetic location: 13q13.1.
Variant type: single nucleotide variant.
Coding change: c.584C>G on transcript NM_000059.4 (MANE Select); coding-DNA position 584, C replaced by G.
Protein change: p.Ser195Ter; replaces serine 195 with a stop codon.
Molecular consequence: nonsense.
Genome position (GRCh38, 1-based): chr13:32,326,566, C>G. VCF-style: chr13-32326566-C-G. GRCh37 (hg19) VCF-style: chr13-32900703-C-G.
Other names: short protein forms S195*.
Identifiers: ClinVar variation 254479 (VCV000254479.19), dbSNP rs886038053, ClinGen allele CA10586482.

ClinVar aggregate classification (germline): Pathogenic. Review status: reviewed by expert panel (3 of 4 stars). 8 submissions from 8 submitters: Pathogenic (1). 7 of the submissions do not count toward it. Last evaluated 2016-09-08.

Conditions:
Hereditary cancer-predisposing syndrome. Also called: Hereditary Cancer Syndrome; Neoplastic Syndromes, Hereditary; Hereditary neoplastic syndrome; Tumor predisposition. Identifiers: Orphanet 140162, MedGen C0027672, MeSH D009386, MONDO:0015356.
Breast-ovarian cancer, familial, susceptibility to, 2 (BROVCA2). Also called: BRCA2 Hereditary Breast and Ovarian Cancer. Identifiers: Orphanet 145, MedGen C2675520, MONDO:0012933, OMIM 612555. Disease mechanism: loss of function.
Hereditary breast ovarian cancer syndrome. Also called: Hereditary breast and ovarian cancer syndrome (HBOC); Breast and ovarian cancer; Hereditary breast and ovarian cancer syndrome; Hereditary breast and ovarian cancer; BRCA1- and BRCA2-Associated Hereditary Breast and Ovarian Cancer; Hereditary breast and/or ovarian cancer syndrome. Identifiers: Orphanet 145, MedGen C0677776, MeSH D061325, MONDO:0003582. Disease mechanism: loss of function.
Breast-ovarian cancer, familial, susceptibility to, 1 (BROVCA1). Also called: BRCA1 Hereditary Breast and Ovarian Cancer; OVARIAN CANCER, SUSCEPTIBILITY TO. Identifiers: Orphanet 145, MedGen C2676676, MONDO:0011450, OMIM 604370. Disease mechanism: loss of function.
Familial cancer of breast. Also called: BREAST CANCER, FAMILIAL; hereditary breast carcinoma; Hereditary breast cancer. Identifiers: Orphanet 227535, MedGen C0346153, MONDO:0016419, OMIM 114480. Disease mechanism: loss of function.

Submissions (8):

Evidence-based Network for the Interpretation of Germline Mutant Alleles (ENIGMA)
Classification: Pathogenic for Breast-ovarian cancer, familial, susceptibility to, 2. Last evaluated: 2016-09-08. Review status: reviewed by expert panel. Criteria: ENIGMA BRCA1/2 Classification Criteria (2015). Collection method: curation. Allele origin: germline.
Comment: Variant allele predicted to encode a truncated non-functional protein.

Institute of Immunology and Genetics Kaiserslautern
Classification: Pathogenic for Breast-ovarian cancer, familial, susceptibility to, 1. Last evaluated: 2025-07-31. Review status: criteria provided, single submitter. Criteria: ACMG Guidelines, 2015. Collection method: clinical testing. Allele origin: germline. Affected: yes. Not counted in ClinVar's aggregate classification.
Comment: ACMG Criteria: PVS1, PS4, PM2, PP1, PP3, PP5_M.

Labcorp Genetics (formerly Invitae), Labcorp
Classification: Pathogenic for Hereditary breast ovarian cancer syndrome. Last evaluated: 2025-01-23. Review status: criteria provided, single submitter. Criteria: Invitae Variant Classification Sherloc (09022015). Collection method: clinical testing. Allele origin: germline. Not counted in ClinVar's aggregate classification.
Comment: This sequence change creates a premature translational stop signal (p.Ser195*) in the BRCA2 gene. It is expected to result in an absent or disrupted protein product. Loss-of-function variants in BRCA2 are known to be pathogenic (PMID: 20104584). This variant is not present in population databases (gnomAD no frequency). This premature translational stop signal has been observed in individual(s) with breast and/or ovarian cancer (PMID: 25863477). ClinVar contains an entry for this variant (Variation ID: 254479). For these reasons, this variant has been classified as Pathogenic.

Ambry Genetics
Classification: Pathogenic for Hereditary cancer-predisposing syndrome. Last evaluated: 2024-08-05. Review status: criteria provided, single submitter. Criteria: Ambry Variant Classification Scheme 2023. Collection method: clinical testing. Allele origin: germline. Not counted in ClinVar's aggregate classification.
Comment: The p.S195* pathogenic mutation (also known as c.584C>G), located in coding exon 6 of the BRCA2 gene, results from a C to G substitution at nucleotide position 584. This changes the amino acid from a serine to a stop codon within coding exon 6. This alteration has been reported in multiple individuals diagnosed with breast cancer (Kang E et al. Breast Cancer Res. Treat., 2015 May;151:157-68; Dorling et al. N Engl J Med. 2021 02;384:428-439). This alteration was also identified in a large, worldwide study of BRCA1/2 mutation positive families (Rebbeck TR et al. Hum Mutat, 2018 05;39:593-620). This variant is considered to be rare based on population cohorts in the Genome Aggregation Database (gnomAD). In addition to the clinical data presented in the literature, this alteration is expected to result in loss of function by premature protein truncation or nonsense-mediated mRNA decay. As such, this alteration is interpreted as a disease-causing mutation.

GeneDx
Classification: Pathogenic. Last evaluated: 2022-01-19. Review status: criteria provided, single submitter. Criteria: GeneDx Variant Classification Process June 2021. Collection method: clinical testing. Allele origin: germline. Affected: yes. Not counted in ClinVar's aggregate classification.
Comment: Nonsense variant predicted to result in protein truncation or nonsense mediated decay in a gene for which loss-of-function is a known mechanism of disease; Not observed at significant frequency in large population cohorts (gnomAD); Truncating variants in this gene are considered pathogenic by a well-established clinical consortium and/or database; Also known as 812C>G; This variant is associated with the following publications: (PMID: 29446198, 25863477)

Baylor Genetics
Classification: Pathogenic for Familial cancer of breast. Last evaluated: 2021-11-16. Review status: criteria provided, single submitter. Criteria: ACMG Guidelines, 2015. Collection method: clinical testing. Allele origin: unknown. Not counted in ClinVar's aggregate classification.

Consortium of Investigators of Modifiers of BRCA1/2 (CIMBA), c/o University of Cambridge
Classification: Pathogenic for Breast-ovarian cancer, familial, susceptibility to, 2. Last evaluated: 2015-10-02. Review status: criteria provided, single submitter. Criteria: CIMBA Mutation Classification guidelines May 2016. Collection method: clinical testing. Allele origin: germline. Not counted in ClinVar's aggregate classification.

Genesis Genomics
Classification: Pathogenic for Breast-ovarian cancer, familial, susceptibility to, 2. Review status: criteria provided, single submitter. Criteria: ACMG Guidelines, 2015. Collection method: clinical testing. Allele origin: germline. Affected: yes. Observed: 1 variant allele. Not counted in ClinVar's aggregate classification.

Literature cited by the submitters: PubMed 20104584 (cited by Labcorp Genetics (formerly Invitae), Labcorp); PubMed 25863477 (cited by Labcorp Genetics (formerly Invitae), Labcorp and Ambry Genetics); PubMed 29446198 (cited by Ambry Genetics); PubMed 33471991 (cited by Ambry Genetics).